The following is an entry in ClinVar:

ClinVar aggregate classification (germline): Likely benign. Review status: criteria provided, single submitter (1 of 4 stars). 2 submissions from 2 submitters: Likely benign (1). 1 of the submissions does not count toward it. Last evaluated 2024-09-01.

Conditions:
ABCA2-related disorder. Also called: ABCA2-related condition.

Allele frequency attached by ClinVar (database versions not stated): 1000 Genomes Project 30x 0.00094.

Submissions (2):

CeGaT Center for Human Genetics Tuebingen
Classification: Likely benign. Last evaluated: 2024-09-01. Review status: criteria provided, single submitter. Criteria: CeGaT Center For Human Genetics Tuebingen Variant Classification Criteria Version 2. Collection method: clinical testing. Allele origin: germline. Affected: yes. Observed: 2 variant alleles.
Comment: ABCA2: BP4, BP7

PreventionGenetics, part of Exact Sciences
Classification: Likely benign for ABCA2-related condition. Last evaluated: 2019-05-31. Review status: no assertion criteria provided. Collection method: clinical testing. Allele origin: germline. Not counted in ClinVar's aggregate classification.
Comment: This variant is classified as likely benign based on ACMG/AMP sequence variant interpretation guidelines (Richards et al. 2015 PMID: 25741868, with internal and published modifications).

NM_001606.5(ABCA2):c.4794A>C (p.Pro1598=)

Gene: ABCA2 (ATP binding cassette subfamily A member 2; minus strand). Cytogenetic location: 9q34.3.
Variant type: single nucleotide variant.
Coding change: c.4794A>C on transcript NM_001606.5 (MANE Select); coding-DNA position 4794, A replaced by C.
Protein change: p.Pro1598=; no amino-acid change (proline 1598 retained).
Molecular consequence: synonymous variant.
Genome position (GRCh38, 1-based): chr9:137,013,075, T>G on the plus strand (A>C on the coding strand, the complement: ABCA2 is on the minus strand). VCF-style: chr9-137013075-T-G. GRCh37 (hg19) VCF-style: chr9-139907527-T-G.
Other names: c.4791A>C, p.Pro1597= (NM_001411042.1); c.4884A>C, p.Pro1628= (NM_212533.3); c.4884A>C (NM_212533.2).
Identifiers: ClinVar variation 2659773 (VCV002659773.25), dbSNP rs2131439130, ClinGen allele CA467844641.